The following is an entry in ClinVar:

ClinVar aggregate classification (germline): Uncertain significance. Review status: criteria provided, multiple submitters, no conflicts (2 of 4 stars). 3 submissions from 3 submitters: Uncertain significance (3). Last evaluated 2025-08-23.

Conditions:
Inborn genetic diseases. Identifiers: MedGen C0950123, MeSH D030342.

Allele frequency attached by ClinVar (database versions not stated): gnomAD exomes 0.00004; 1000 Genomes Project 30x 0.00016; 1000 Genomes Project 0.00020.
gnomAD v4.1: 56 of 1,614,016 alleles (0.0035%); highest among the groups gnomAD compares: Admixed American, 0.0067%; no homozygotes.

Submissions (3):

Ambry Genetics
Classification: Uncertain significance for Inborn genetic diseases. Last evaluated: 2025-08-23. Review status: criteria provided, single submitter. Criteria: Ambry Variant Classification Scheme 2023. Collection method: clinical testing. Allele origin: germline.

Labcorp Genetics (formerly Invitae), Labcorp
Classification: Uncertain significance. Last evaluated: 2023-03-02. Review status: criteria provided, single submitter. Criteria: Invitae Variant Classification Sherloc (09022015). Collection method: clinical testing. Allele origin: germline.
Comment: ClinVar contains an entry for this variant (Variation ID: 2072610). In summary, the available evidence is currently insufficient to determine the role of this variant in disease. Therefore, it has been classified as a Variant of Uncertain Significance. Advanced modeling of protein sequence and biophysical properties (such as structural, functional, and spatial information, amino acid conservation, physicochemical variation, residue mobility, and thermodynamic stability) performed at Invitae indicates that this missense variant is not expected to disrupt HERC1 protein function. This variant has not been reported in the literature in individuals affected with HERC1-related conditions. This variant is present in population databases (rs565203493, gnomAD 0.007%). This sequence change replaces valine, which is neutral and non-polar, with isoleucine, which is neutral and non-polar, at codon 2818 of the HERC1 protein (p.Val2818Ile).

GeneDx
Classification: Uncertain significance. Last evaluated: 2022-10-06. Review status: criteria provided, single submitter. Criteria: GeneDx Variant Classification Process June 2021. Collection method: clinical testing. Allele origin: germline. Affected: yes.
Comment: Not observed at significant frequency in large population cohorts (gnomAD); In silico analysis supports that this missense variant does not alter protein structure/function; Has not been previously published as pathogenic or benign to our knowledge

NM_003922.4(HERC1):c.8452G>A (p.Val2818Ile)

Gene: HERC1 (HECT and RLD domain containing E3 ubiquitin protein ligase family member 1; minus strand). Cytogenetic location: 15q22.31.
Variant type: single nucleotide variant.
Coding change: c.8452G>A on transcript NM_003922.4 (MANE Select); coding-DNA position 8452, G replaced by A.
Protein change: p.Val2818Ile; replaces valine 2818 with isoleucine.
Molecular consequence: missense variant.
Genome position (GRCh38, 1-based): chr15:63,666,022, C>T on the plus strand (G>A on the coding strand, the complement: HERC1 is on the minus strand). VCF-style: chr15-63666022-C-T. GRCh37 (hg19) VCF-style: chr15-63958221-C-T.
Other names: c.8452G>A (NM_003922.3); short protein forms V2818I.
Identifiers: ClinVar variation 2072610 (VCV002072610.6), dbSNP rs565203493, ClinGen allele CA7604939.